The following is an entry in ClinVar:

NM_017838.4(NHP2):c.138G>C (p.Lys46Asn)

Gene: NHP2 (NHP2 ribonucleoprotein; minus strand). Cytogenetic location: 5q35.3.
Variant type: single nucleotide variant.
Coding change: c.138G>C on transcript NM_017838.4 (MANE Select); coding-DNA position 138, G replaced by C.
Protein change: p.Lys46Asn; replaces lysine 46 with asparagine.
Molecular consequence: missense variant.
Genome position (GRCh38, 1-based): chr5:178,153,680, C>G on the plus strand (G>C on the coding strand, the complement: NHP2 is on the minus strand). VCF-style: chr5-178153680-C-G. GRCh37 (hg19) VCF-style: chr5-177580681-C-G.
Other names: c.138G>C, p.Lys46Asn (NM_001034833.2); short protein forms K46N.
Identifiers: ClinVar variation 1442826 (VCV001442826.7), dbSNP rs761328868, ClinGen allele CA3589281.

ClinVar aggregate classification (germline): Uncertain significance (1 of 4 stars; one submission).

Conditions:
Dyskeratosis congenita. Identifiers: Orphanet 1775, MedGen C0265965, MONDO:0015780.

Allele frequency attached by ClinVar (database versions not stated): gnomAD exomes 0.00002; ExAC 0.00004.
gnomAD v4.1: 29 of 1,614,050 alleles (0.0018%); highest among the groups gnomAD compares: Non-Finnish European, 0.0024%; no homozygotes.

Submission:

Labcorp Genetics (formerly Invitae), Labcorp
Classification: Uncertain significance for Dyskeratosis congenita. Last evaluated: 2026-02-02. Review status: criteria provided, single submitter. Criteria: Invitae Variant Classification Sherloc (09022015). Collection method: clinical testing. Allele origin: germline.
Comment: This sequence change replaces lysine, which is basic and polar, with asparagine, which is neutral and polar, at codon 46 of the NHP2 protein (p.Lys46Asn). This variant is present in population databases (rs761328868, gnomAD 0.004%). This variant has not been reported in the literature in individuals affected with NHP2-related conditions. ClinVar contains an entry for this variant (Variation ID: 1442826). An algorithm developed to predict the effect of missense changes on protein structure and function (PolyPhen-2) suggests that this variant is likely to be disruptive. In summary, the available evidence is currently insufficient to determine the role of this variant in disease. Therefore, it has been classified as a Variant of Uncertain Significance.